The following is an entry in ClinVar:

NM_203446.3(SYNJ1):c.2884C>T (p.Arg962Trp)

Gene: SYNJ1 (synaptojanin 1; minus strand). Cytogenetic location: 21q22.11.
Variant type: single nucleotide variant.
Coding change: c.2884C>T on transcript NM_203446.3 (MANE Select); coding-DNA position 2884, C replaced by T.
Protein change: p.Arg962Trp; replaces arginine 962 with tryptophan.
Molecular consequence: missense variant.
Genome position (GRCh38, 1-based): chr21:32,650,337, G>A on the plus strand (C>T on the coding strand, the complement: SYNJ1 is on the minus strand). VCF-style: chr21-32650337-G-A. GRCh37 (hg19) VCF-style: chr21-34022647-G-A.
Other names: c.2884C>T, p.Arg962Trp (NM_001160302.2); c.2869C>T, p.Arg957Trp (NM_001160306.2); c.3001C>T, p.Arg1001Trp (NM_003895.4); short protein forms R957W, R962W, R1001W.
Identifiers: ClinVar variation 658652 (VCV000658652.6), dbSNP rs149147152, ClinGen allele CA10003545.

ClinVar aggregate classification (germline): Uncertain significance (1 of 4 stars; one submission).

Conditions:
Developmental and epileptic encephalopathy, 53. Also called: Epileptic encephalopathy, early infantile, 53. Identifiers: MedGen C4479313, MONDO:0033362, OMIM 617389.
Early-onset Parkinson disease 20. Also called: PARKINSON DISEASE 20, AUTOSOMAL RECESSIVE EARLY-ONSET. Identifiers: Orphanet 391411, MedGen C3809824, MONDO:0014233, OMIM 615530.

Allele frequency attached by ClinVar (database versions not stated): ExAC 0.00003; gnomAD exomes 0.00003; gnomAD 0.00004 and 0.00005; TOPMed 0.00006; ESP Exome Variant Server 0.00008.
gnomAD v4.1: 54 of 1,604,314 alleles (0.0034%); highest among the groups gnomAD compares: Admixed American, 0.007%; no homozygotes.

Submission:

Labcorp Genetics (formerly Invitae), Labcorp
Classification: Uncertain significance for Developmental and epileptic encephalopathy, 53; Early-onset Parkinson disease 20. Last evaluated: 2024-10-26. Review status: criteria provided, single submitter. Criteria: Invitae Variant Classification Sherloc (09022015). Collection method: clinical testing. Allele origin: germline.
Comment: This sequence change replaces arginine, which is basic and polar, with tryptophan, which is neutral and slightly polar, at codon 1001 of the SYNJ1 protein (p.Arg1001Trp). This variant is present in population databases (rs149147152, gnomAD 0.006%). This variant has not been reported in the literature in individuals affected with SYNJ1-related conditions. ClinVar contains an entry for this variant (Variation ID: 658652). Invitae Evidence Modeling of protein sequence and biophysical properties (such as structural, functional, and spatial information, amino acid conservation, physicochemical variation, residue mobility, and thermodynamic stability) indicates that this missense variant is not expected to disrupt SYNJ1 protein function with a negative predictive value of 80%. In summary, the available evidence is currently insufficient to determine the role of this variant in disease. Therefore, it has been classified as a Variant of Uncertain Significance.